The following is an entry in ClinVar:

NM_020971.3(SPTBN4):c.816C>T (p.Ser272=)

Gene: SPTBN4 (spectrin beta, non-erythrocytic 4; plus strand). Cytogenetic location: 19q13.2.
Variant type: single nucleotide variant.
Coding change: c.816C>T on transcript NM_020971.3 (MANE Select); coding-DNA position 816, C replaced by T.
Protein change: p.Ser272=; no amino-acid change (serine 272 retained).
Molecular consequence: synonymous variant.
Genome position (GRCh38, 1-based): chr19:40,501,952, C>T. VCF-style: chr19-40501952-C-T. GRCh37 (hg19) VCF-style: chr19-41007859-C-T.
Identifiers: ClinVar variation 2649881 (VCV002649881.22), dbSNP rs2514978493, ClinGen allele CA507493443.

ClinVar aggregate classification (germline): Likely benign (1 of 4 stars; one submission).

Submission:

CeGaT Center for Human Genetics Tuebingen
Classification: Likely benign. Last evaluated: 2023-05-01. Review status: criteria provided, single submitter. Criteria: CeGaT Center For Human Genetics Tuebingen Variant Classification Criteria Version 2. Collection method: clinical testing. Allele origin: germline. Affected: yes. Observed: 1 variant allele.
Comment: SPTBN4: PM2:Supporting, BP4, BP7